The following is an entry in ClinVar:

NM_005633.4(SOS1):c.283G>A (p.Glu95Lys)

Gene: SOS1 (SOS Ras/Rac guanine nucleotide exchange factor 1; minus strand). Cytogenetic location: 2p22.1.
Variant type: single nucleotide variant.
Coding change: c.283G>A on transcript NM_005633.4 (MANE Select); coding-DNA position 283, G replaced by A.
Protein change: p.Glu95Lys; replaces glutamic acid 95 with lysine.
Molecular consequence: missense variant.
Genome position (GRCh38, 1-based): chr2:39,058,735, C>T on the plus strand (G>A on the coding strand, the complement: SOS1 is on the minus strand). VCF-style: chr2-39058735-C-T. GRCh37 (hg19) VCF-style: chr2-39285876-C-T.
Other names: c.262G>A, p.Glu88Lys (NM_001382394.1); c.283G>A, p.Glu95Lys (NM_001382395.1); short protein forms E95K, E88K.
Identifiers: ClinVar variation 579328 (VCV000579328.8), dbSNP rs1558493384, ClinGen allele CA346373912.
Genomic context (GRCh38, chr2:39,058,735, plus strand): 5'-TTAATAAAGGATGAATTTTTTCTACTGGGAGAGATAAAGGGTTTCTTCGCTTCCTCTTTT[C>T]AATAGCTGATTGGGCATCAGCTATTGCCCATTTATCAATTGGATGAGGGAAACTTTTTTG-3'
Protein context (NP_005624.2, residues 85-105): WAIADAQSAI[Glu95Lys]KRKRRNPLSL

ClinVar aggregate classification (germline): Uncertain significance (1 of 4 stars; one submission).

Conditions:
RASopathy. Also called: rasopathies; Noonan spectrum disorder. Identifiers: Orphanet 536391, MedGen C5555857, MONDO:0021060.

Submission:

Labcorp Genetics (formerly Invitae), Labcorp
Classification: Uncertain significance for RASopathy. Last evaluated: 2020-07-08. Review status: criteria provided, single submitter. Criteria: Invitae Variant Classification Sherloc (09022015). Collection method: clinical testing. Allele origin: germline.
Comment: This sequence change replaces glutamic acid with lysine at codon 95 of the SOS1 protein (p.Glu95Lys). The glutamic acid residue is moderately conserved and there is a small physicochemical difference between glutamic acid and lysine. This variant is not present in population databases (ExAC no frequency). This variant has not been reported in the literature in individuals with SOS1-related disease. Algorithms developed to predict the effect of missense changes on protein structure and function (SIFT, PolyPhen-2, Align-GVGD) all suggest that this variant is likely to be tolerated, but these predictions have not been confirmed by published functional studies and their clinical significance is uncertain. In summary, the available evidence is currently insufficient to determine the role of this variant in disease. Therefore, it has been classified as a Variant of Uncertain Significance.